The following is an entry in ClinVar:

ClinVar aggregate classification (germline): Pathogenic/Likely pathogenic. Review status: criteria provided, multiple submitters, no conflicts (2 of 4 stars). 12 submissions from 11 submitters: Pathogenic (5); Likely pathogenic (5). 2 of the submissions do not count toward it. Last evaluated 2024-12-30.

Conditions:
CRB1-related disorder. Also called: CRB1-related condition; CRB1-related disorders.
Retinal dystrophy. Also called: Inherited retinal dystrophy. Identifiers: Orphanet 71862, MedGen C0854723, MeSH D058499, MONDO:0019118, HP:0000556.
Leber congenital amaurosis (LCA). Also called: Leber's amaurosis. Identifiers: Orphanet 65, MedGen C0339527, MeSH D057130, MONDO:0018998.
Retinitis pigmentosa 12 (RP12). Also called: RP WITH OR WITHOUT PPRPE; RP WITH OR WITHOUT PRESERVED PARAARTERIOLE RETINAL PIGMENT EPITHELIUM; RETINITIS PIGMENTOSA WITH OR WITHOUT PARAARTERIOLAR PRESERVATION OF RETINAL PIGMENT EPITHELIUM. Identifiers: Orphanet 791, MedGen C1838647, MONDO:0010818, OMIM 600105.
Leber congenital amaurosis 8 (LCA8). Identifiers: Orphanet 65, MedGen C3151202, MONDO:0013453, OMIM 613835.
Pigmented paravenous retinochoroidal atrophy. Identifiers: Orphanet 251295, MedGen C1868310, MONDO:0008246, OMIM 172870.

Allele frequency attached by ClinVar (database versions not stated): TOPMed below 0.00001; gnomAD 0.00001; gnomAD exomes 0.00001 and 0.00003; ExAC 0.00006.
gnomAD v4.1: 21 of 1,613,606 alleles (0.0013%); highest among the groups gnomAD compares: Non-Finnish European, 0.0017%; no homozygotes.

Submissions (12):

Natera, Inc.
Classification: Pathogenic for Leber congenital amaurosis. Last evaluated: 2024-12-30. Review status: criteria provided, single submitter. Criteria: Natera Variant Classification Schema (03/2026). Collection method: clinical testing. Allele origin: germline.
Comment: The c.2842+5G>A variant in CRB1 is an intronic variant located outside the canonical splice sites. This variant is rare in the general population with a frequency below the threshold expected for the associated phenotype(s). This variant has been observed in one or more individuals affected with the associated recessive disease, as either homozygous or compound heterozygous with a second variant (PMID: 10508521, 16505055, 20683928, 31630094). Computational prediction algorithms indicate this variant is likely to affect gene or protein function. Given the available evidence, this variant is classified as Pathogenic.

Labcorp Genetics (formerly Invitae), Labcorp
Classification: Pathogenic for Leber congenital amaurosis 8; Retinitis pigmentosa 12. Last evaluated: 2024-11-14. Review status: criteria provided, single submitter. Criteria: Invitae Variant Classification Sherloc (09022015). Collection method: clinical testing. Allele origin: germline.
Comment: This sequence change falls in intron 8 of the CRB1 gene. It does not directly change the encoded amino acid sequence of the CRB1 protein. It affects a nucleotide within the consensus splice site. This variant is present in population databases (rs773914330, gnomAD 0.007%). This variant has been observed in individuals with autosomal recessive inherited retinal dystrophy (PMID: 10508521, 20683928, 28341475). This variant is also known as 2978+5G→A. ClinVar contains an entry for this variant (Variation ID: 438078). Variants that disrupt the consensus splice site are a relatively common cause of aberrant splicing (PMID: 17576681, 9536098). Algorithms developed to predict the effect of sequence changes on RNA splicing suggest that this variant may disrupt the consensus splice site. For these reasons, this variant has been classified as Pathogenic.

Lab De Baere, Eye and Developmental Genetics Lab, Ghent University
Classification: Pathogenic for Leber congenital amaurosis. Last evaluated: 2024-10-01. Review status: criteria provided, single submitter. Criteria: ACMG Guidelines, 2015. Collection method: research. Allele origin: inherited. Affected: yes. Observed: 1 variant allele.
Comment: ACMG/AMP guidelines: PM2, PP5, PP3, PP1, PM3_PVS

Fulgent Genetics
Classification: Likely pathogenic for Pigmented paravenous retinochoroidal atrophy; Retinitis pigmentosa 12; Leber congenital amaurosis 8. Last evaluated: 2024-03-27. Review status: criteria provided, single submitter. Criteria: ACMG Guidelines, 2015. Collection method: clinical testing. Allele origin: germline.

Blueprint Genetics
Classification: Pathogenic for CRB1-related disorders. Last evaluated: 2024-01-31. Review status: criteria provided, single submitter. Criteria: ACMG Guidelines, 2015. Collection method: clinical testing. Allele origin: germline. Affected: yes. Observed: 5 variant alleles.

Genome-Nilou Lab
Classification: Likely pathogenic for Leber congenital amaurosis 8. Last evaluated: 2023-04-11. Review status: criteria provided, single submitter. Criteria: ACMG Guidelines, 2015. Collection method: clinical testing. Allele origin: germline. Affected: no.

Genome-Nilou Lab
Classification: Likely pathogenic for Retinitis pigmentosa 12. Last evaluated: 2023-04-11. Review status: criteria provided, single submitter. Criteria: ACMG Guidelines, 2015. Collection method: clinical testing. Allele origin: germline. Affected: no.

Baylor Genetics
Classification: Pathogenic for Leber congenital amaurosis 8. Last evaluated: 2023-03-21. Review status: criteria provided, single submitter. Criteria: ACMG Guidelines, 2015. Collection method: clinical testing. Allele origin: unknown.

CeGaT Center for Human Genetics Tuebingen
Classification: Likely pathogenic. Last evaluated: 2021-04-01. Review status: criteria provided, single submitter. Criteria: CeGaT Center For Human Genetics Tuebingen Variant Classification Criteria Version 2. Collection method: clinical testing. Allele origin: germline. Affected: yes. Observed: 1 variant allele.

Institute of Human Genetics, Univ. Regensburg, Univ. Regensburg
Classification: Likely pathogenic for Retinal dystrophy. Last evaluated: 2018-01-01. Review status: criteria provided, single submitter. Criteria: ACMG Guidelines, 2015. Collection method: clinical testing. Allele origin: germline. Affected: yes.

NIHR Bioresource Rare Diseases, University of Cambridge
Classification: Uncertain significance for Retinal dystrophy. Last evaluated: 2015-01-01. Review status: no assertion criteria provided. Collection method: research. Allele origin: unknown. Affected: yes. Observed: 1 variant allele. Not counted in ClinVar's aggregate classification.

Laboratory of Genetics in Ophthalmology, Institut Imagine
Classification: Likely pathogenic for Leber congenital amaurosis 8. Review status: no assertion criteria provided. Collection method: research. Allele origin: inherited. Affected: yes. Observed: 1 variant allele. Not counted in ClinVar's aggregate classification.

Literature cited by the submitters: PubMed 10508521 (cited by 5 submitters); PubMed 16505055 (cited by Natera, Inc.); PubMed 20683928 (cited by Natera, Inc. and Labcorp Genetics (formerly Invitae), Labcorp); PubMed 31630094 (cited by Natera, Inc. and Institute of Human Genetics, Univ. Regensburg, Univ. Regensburg); PubMed 28341475 (cited by Labcorp Genetics (formerly Invitae), Labcorp and Institute of Human Genetics, Univ. Regensburg, Univ. Regensburg); PubMed 17576681 (cited by Labcorp Genetics (formerly Invitae), Labcorp); PubMed 9536098 (cited by Labcorp Genetics (formerly Invitae), Labcorp); PubMed 25525159 (cited by Institute of Human Genetics, Univ. Regensburg, Univ. Regensburg); PubMed 28041643 (cited by Institute of Human Genetics, Univ. Regensburg, Univ. Regensburg and NIHR Bioresource Rare Diseases, University of Cambridge); PubMed 32322752 (cited by Institute of Human Genetics, Univ. Regensburg, Univ. Regensburg); PubMed 31964843 (cited by Institute of Human Genetics, Univ. Regensburg, Univ. Regensburg); PubMed 36819107 (cited by Institute of Human Genetics, Univ. Regensburg, Univ. Regensburg).

NM_201253.3(CRB1):c.2842+5G>A

Gene: CRB1 (crumbs cell polarity complex component 1; plus strand). Cytogenetic location: 1q31.3.
Variant type: single nucleotide variant.
Coding change: c.2842+5G>A on transcript NM_201253.3 (MANE Select); 5 bases into the intron after coding-DNA position 2842, G replaced by A.
Molecular consequence: intron variant.
Genome position (GRCh38, 1-based): chr1:197,429,619, G>A. VCF-style: chr1-197429619-G-A. GRCh37 (hg19) VCF-style: chr1-197398749-G-A.
Other names: c.2770+5G>A (NM_001257965.2); c.2129-5981G>A (NM_001257966.2); c.2506+5G>A (NM_001193640.2).
Identifiers: ClinVar variation 438078 (VCV000438078.52), dbSNP rs773914330, ClinGen allele CA1312221.